The following is an entry in ClinVar:

ClinVar aggregate classification (germline): Uncertain significance (1 of 4 stars; one submission).

gnomAD v4.1: 5 of 1,584,396 alleles (0.00032%); highest among the groups gnomAD compares: South Asian, 0.0046%; no homozygotes.

Submission:

Labcorp Genetics (formerly Invitae), Labcorp
Classification: Uncertain significance. Last evaluated: 2022-05-15. Review status: criteria provided, single submitter. Criteria: Invitae Variant Classification Sherloc (09022015). Collection method: clinical testing. Allele origin: germline.
Comment: This sequence change falls in intron 39 of the FRAS1 gene. It does not directly change the encoded amino acid sequence of the FRAS1 protein. It affects a nucleotide within the consensus splice site. This variant is not present in population databases (gnomAD no frequency). This variant has not been reported in the literature in individuals affected with FRAS1-related conditions. Variants that disrupt the consensus splice site are a relatively common cause of aberrant splicing (PMID: 17576681, 9536098). Algorithms developed to predict the effect of sequence changes on RNA splicing suggest that this variant is not likely to affect RNA splicing. In summary, the available evidence is currently insufficient to determine the role of this variant in disease. Therefore, it has been classified as a Variant of Uncertain Significance.

Literature cited by the submitters: PubMed 17576681; PubMed 9536098.

NM_025074.7(FRAS1):c.5366+5A>G

Gene: FRAS1 (Fraser extracellular matrix complex subunit 1; plus strand). Cytogenetic location: 4q21.21.
Variant type: single nucleotide variant.
Coding change: c.5366+5A>G on transcript NM_025074.7 (MANE Select); 5 bases into the intron after coding-DNA position 5366, A replaced by G.
Molecular consequence: intron variant.
Genome position (GRCh38, 1-based): chr4:78,438,723, A>G. VCF-style: chr4-78438723-A-G. GRCh37 (hg19) VCF-style: chr4-79359877-A-G.
Other names: c.5366+5A>G (NM_001166133.2).
Identifiers: ClinVar variation 1905770 (VCV001905770.2), dbSNP rs770242646, ClinGen allele CA2578124053.